The following is an entry in ClinVar:

NM_001384140.1(PCDH15):c.382A>G (p.Ile128Val)

Gene: PCDH15 (protocadherin related 15; minus strand). Cytogenetic location: 10q21.1.
Variant type: single nucleotide variant.
Coding change: c.382A>G on transcript NM_001384140.1 (MANE Select); coding-DNA position 382, A replaced by G.
Protein change: p.Ile128Val; replaces isoleucine 128 with valine.
Molecular consequence: missense variant.
Genome position (GRCh38, 1-based): chr10:54,369,212, T>C on the plus strand (A>G on the coding strand, the complement: PCDH15 is on the minus strand). VCF-style: chr10-54369212-T-C. GRCh37 (hg19) VCF-style: chr10-56128972-T-C.
Other names: c.397A>G, p.Ile133Val (NM_001142763.2, NM_001142769.4, NM_001142771.2); c.382A>G, p.Ile128Val (NM_001142764.2, NM_001142765.2, NM_001142766.2 and 8 more transcripts); c.316A>G, p.Ile106Val (NM_001142768.2, NM_001142773.2, NM_001354404.2); short protein forms I106V, I128V, I133V.
Identifiers: ClinVar variation 1896127 (VCV001896127.2), dbSNP rs1947268552, ClinGen allele CA376542263.
Genomic context (GRCh38, chr10:54,369,212, plus strand): 5'-TGAAAGTGGGTGAGTTGTCATTCCTGTCTCTCACCACTATTCGCACTTCATGGTAGATAA[T>C]AGTGCCCACTTTTTTGTTGATGCACTGGACCTGCACCACAATGGAGTGTATGTTCATCGG-3'
Protein context (NP_001371069.1, residues 118-138): VQCINKKVGT[Ile128Val]IYHEVRIVVR

ClinVar aggregate classification (germline): Uncertain significance (1 of 4 stars; one submission).

Allele frequency attached by ClinVar (database versions not stated): gnomAD exomes below 0.00001; TOPMed below 0.00001.
gnomAD v4.1: 2 of 1,613,074 alleles (0.00012%); highest among the groups gnomAD compares: South Asian, 0.0011%; no homozygotes.

Submission:

Labcorp Genetics (formerly Invitae), Labcorp
Classification: Uncertain significance. Last evaluated: 2021-08-28. Review status: criteria provided, single submitter. Criteria: Invitae Variant Classification Sherloc (09022015). Collection method: clinical testing. Allele origin: germline.
Comment: This sequence change replaces isoleucine with valine at codon 128 of the PCDH15 protein (p.Ile128Val). The isoleucine residue is weakly conserved and there is a small physicochemical difference between isoleucine and valine. This variant is not present in population databases (ExAC no frequency). This variant has not been reported in the literature in individuals affected with PCDH15-related conditions. Algorithms developed to predict the effect of missense changes on protein structure and function output the following: SIFT: "Tolerated"; PolyPhen-2: "Benign"; Align-GVGD: "Class C0". The valine amino acid residue is found in multiple mammalian species, which suggests that this missense change does not adversely affect protein function. In summary, the available evidence is currently insufficient to determine the role of this variant in disease. Therefore, it has been classified as a Variant of Uncertain Significance.